The following is an entry in ClinVar:

NM_005782.4(ALYREF):c.5C>A (p.Pro2His)

Genes: ALYREF (Aly/REF export factor; minus strand), ANAPC11 (anaphase promoting complex subunit 11; plus strand). Cytogenetic location: 17q25.3.
Variant type: single nucleotide variant.
Coding change: c.5C>A on transcript NM_005782.4 (MANE Select); coding-DNA position 5, C replaced by A.
Protein change: p.Pro2His; replaces proline 2 with histidine.
Molecular consequence: missense variant. On other transcripts: non-coding transcript variant (1), intron variant (1).
Genome position (GRCh38, 1-based): chr17:81,891,576, G>T on the plus strand (C>A on the coding strand, the complement: ALYREF is on the minus strand). VCF-style: chr17-81891576-G-T. GRCh37 (hg19) VCF-style: chr17-79849452-G-T.
Other names: c.-75+725G>T (NM_001289414.1); short protein forms P2H.
Identifiers: ClinVar variation 2636880 (VCV002636880.1), dbSNP rs559011700, ClinGen allele CA8843717.

ClinVar aggregate classification (germline): Uncertain significance (1 of 4 stars; one submission).

Conditions:
ALYREF-related disorder. Also called: ALYREF-related condition.

Allele frequency attached by ClinVar (database versions not stated): gnomAD 0.00050; 1000 Genomes Project 0.00060; 1000 Genomes Project 30x 0.00047; TOPMed 0.00047.
gnomAD v4.1: 122 of 1,435,740 alleles (0.0085%); highest among the groups gnomAD compares: African/African-American, 0.18%; 1 homozygote.

Submission:

PreventionGenetics, part of Exact Sciences
Classification: Uncertain significance for ALYREF-related condition. Last evaluated: 2023-06-22. Review status: criteria provided, single submitter. Criteria: ACMG Guidelines, 2015. Collection method: clinical testing. Allele origin: germline.
Comment: The ALYREF c.5C>A variant is predicted to result in the amino acid substitution p.Pro2His. To our knowledge, this variant has not been reported in the literature. This variant is reported in 0.18% of alleles in individuals of African descent in gnomAD. At this time, the clinical significance of this variant is uncertain due to the absence of conclusive functional and genetic evidence.